The following is an entry in ClinVar:

NM_152383.5(DIS3L2):c.1619G>T (p.Arg540Leu)

Gene: DIS3L2 (DIS3 like 3'-5' exoribonuclease 2; plus strand). Cytogenetic location: 2q37.1.
Variant type: single nucleotide variant.
Coding change: c.1619G>T on transcript NM_152383.5 (MANE Select); coding-DNA position 1619, G replaced by T.
Protein change: p.Arg540Leu; replaces arginine 540 with leucine.
Molecular consequence: missense variant. On other transcripts: non-coding transcript variant (2), intron variant (1).
Genome position (GRCh38, 1-based): chr2:232,263,400, G>T. VCF-style: chr2-232263400-G-T. GRCh37 (hg19) VCF-style: chr2-233128110-G-T.
Other names: c.1581+38G>T (NM_001257281.2); short protein forms R540L.
Identifiers: ClinVar variation 947133 (VCV000947133.9), dbSNP rs1008119802, ClinGen allele CA350975692.
Genomic context (GRCh38, chr2:232,263,400, plus strand): 5'-ATAGCAGCGAGGAGGTACACCAGGCCGTCTTGAATCTCCACGGAATTGCCAAGCAGTTAC[G>T]CCAGCAGCGCTTTGTGGACGGCGCACTTCGTTTGGATCAGGTCAGTACGTGTTTTTTTAG-3'
Protein context (NP_689596.4, residues 530-550): LNLHGIAKQL[Arg540Leu]QQRFVDGALR

ClinVar aggregate classification (germline): Uncertain significance (1 of 4 stars; one submission).

Conditions:
Perlman syndrome (PRLMNS). Identifiers: Orphanet 2849, MedGen C0796113, MONDO:0009965, OMIM 267000.

gnomAD v4.1: 1 of 1,614,156 alleles (0.000062%); highest among the groups gnomAD compares: Non-Finnish European, 0.000085%; no homozygotes.

Submission:

Labcorp Genetics (formerly Invitae), Labcorp
Classification: Uncertain significance for Perlman syndrome. Last evaluated: 2022-09-06. Review status: criteria provided, single submitter. Criteria: Invitae Variant Classification Sherloc (09022015). Collection method: clinical testing. Allele origin: germline.
Comment: ClinVar contains an entry for this variant (Variation ID: 947133). This variant has not been reported in the literature in individuals affected with DIS3L2-related conditions. This variant is not present in population databases (gnomAD no frequency). This sequence change replaces arginine, which is basic and polar, with leucine, which is neutral and non-polar, at codon 540 of the DIS3L2 protein (p.Arg540Leu). Algorithms developed to predict the effect of missense changes on protein structure and function are either unavailable or do not agree on the potential impact of this missense change (SIFT: "Deleterious"; PolyPhen-2: "Probably Damaging"; Align-GVGD: "Class C0"). In summary, the available evidence is currently insufficient to determine the role of this variant in disease. Therefore, it has been classified as a Variant of Uncertain Significance.